The following is an entry in ClinVar:

NM_000071.3(CBS):c.684C>A (p.Asn228Lys)

Gene: CBS (cystathionine beta-synthase; minus strand). Cytogenetic location: 21q22.3.
Variant type: single nucleotide variant.
Coding change: c.684C>A on transcript NM_000071.3 (MANE Select); coding-DNA position 684, C replaced by A.
Protein change: p.Asn228Lys; replaces asparagine 228 with lysine.
Molecular consequence: missense variant.
Genome position (GRCh38, 1-based): chr21:43,065,255, G>T on the plus strand (C>A on the coding strand, the complement: CBS is on the minus strand). VCF-style: chr21-43065255-G-T. GRCh37 (hg19) VCF-style: chr21-44485365-G-T.
Other names: c.684C>A, p.Asn228Lys (NM_001178008.3, NM_001178009.3, NM_001320298.2); c.369C>A, p.Asn123Lys (NM_001321072.1); short protein forms N123K, N228K.
Identifiers: ClinVar variation 917816 (VCV000917816.8), dbSNP rs1464223176, ClinGen allele CA410600617.
Genomic context (GRCh38, chr21:43,065,255, plus strand): 5'-GGACGCACCATCACACTGCTGCAGGATCTCATCAGCGGTGGTGTCGTAGTGAGCCAGGGG[G>T]TTGCTGGCGTTGCGGTACTGCATAGAAAGAGAGCAGAGCCCGTGAGCTGACCCCTGACAC-3'
Protein context (NP_000062.1, residues 218-238): HILDQYRNAS[Asn228Lys]PLAHYDTTAD

ClinVar aggregate classification (germline): Pathogenic. Review status: criteria provided, multiple submitters, no conflicts (2 of 4 stars). 4 submissions from 4 submitters: Pathogenic (4). Last evaluated 2025-01-22.

Conditions:
Classic homocystinuria. Also called: Homocystinuria due to CBS deficiency; Cystathionine beta-synthase deficiency; CBS deficiency; Homocystinuria due to Cystathionine Beta-Synthase Deficiency; HOMOCYSTINURIA WITH OR WITHOUT RESPONSE TO PYRIDOXINE. Identifiers: Orphanet 394, MedGen C0751202, MONDO:0009352, OMIM 236200.
HYPERHOMOCYSTEINEMIA, THROMBOTIC, CBS-RELATED. Identifiers: MedGen C3150344, OMIM 236200.
Homocystinuria. Identifiers: MedGen C0019880, MONDO:0004737, HP:0002156.

Submissions (4):

Natera, Inc.
Classification: Pathogenic for Homocystinuria due to cystathionine beta-synthase deficiency. Last evaluated: 2025-01-22. Review status: criteria provided, single submitter. Criteria: Natera Variant Classification Schema (03/2026). Collection method: clinical testing. Allele origin: germline.
Comment: The c.684C>A variant in CBS is a missense variant predicted to cause substitution of asparagine to lysine at amino acid 228. This variant is rare in the general population with a frequency below the threshold expected for the associated phenotype(s). This variant has been observed in one or more individuals affected with the associated recessive disease, as either homozygous or compound heterozygous with a second variant (PMID: 15146473). Another variant at this same site results in an alteration predicted to cause a similar molecular effect has been observed in individual(s) with the associated phenotype. A different variant at the same position has been determined to be Pathogenic or Likely Pathogenic. Computational prediction algorithms indicate this variant is likely to affect gene or protein function. Given the available evidence, this variant is classified as Pathogenic.

Women's Health and Genetics/Laboratory Corporation of America, LabCorp
Classification: Pathogenic for Homocystinuria. Last evaluated: 2023-06-21. Review status: criteria provided, single submitter. Criteria: LabCorp Variant Classification Summary - May 2015. Collection method: clinical testing. Allele origin: germline.
Comment: Variant summary: CBS c.684C>A (p.Asn228Lys) results in a non-conservative amino acid change located in the Pyridoxal-phosphate dependent enzyme domain (IPR001926) of the encoded protein sequence. Five of five in-silico tools predict a damaging effect of the variant on protein function. The variant was absent in 251386 control chromosomes. c.684C>A has been reported in the literature as a compound heterozygous and homozygous genotype in individuals affected with Homocystinuria (Gaustadnes_2002, Orendae_2004). Additionally, c.684C>G also resulting in p.Asn228Lys has been classified internally as pathogenic. In vivo and in vitro functional studies report this variant effect results in <10% of normal activity (Gaustadnes_2002, Orendae_2004, Mayfield_2012, Dimster-Denk_2013). The following publications have been ascertained in the context of this evaluation (PMID: 12124992, 22267502, 20490928, 20506325, 25331909, 12686134, 15146473, 23934999). One submitter has cited clinical-significance assessments for this variant to ClinVar after 2014 and has classified the variant as pathogenic. Based on the evidence outlined above, the variant was classified as pathogenic.

Labcorp Genetics (formerly Invitae), Labcorp
Classification: Pathogenic for HYPERHOMOCYSTEINEMIA, THROMBOTIC, CBS-RELATED. Last evaluated: 2022-12-20. Review status: criteria provided, single submitter. Criteria: Invitae Variant Classification Sherloc (09022015). Collection method: clinical testing. Allele origin: germline.
Comment: This sequence change replaces asparagine, which is neutral and polar, with lysine, which is basic and polar, at codon 228 of the CBS protein (p.Asn228Lys). For these reasons, this variant has been classified as Pathogenic. This variant disrupts the p.Asn228 amino acid residue in CBS. Other variant(s) that disrupt this residue have been determined to be pathogenic (PMID: 14635102, 17540596, 20066033, 22267502). This suggests that this residue is clinically significant, and that variants that disrupt this residue are likely to be disease-causing. Experimental studies have shown that this missense change affects CBS function (PMID: 12124992, 15146473, 22267502). Advanced modeling of protein sequence and biophysical properties (such as structural, functional, and spatial information, amino acid conservation, physicochemical variation, residue mobility, and thermodynamic stability) performed at Invitae indicates that this missense variant is expected to disrupt CBS protein function. ClinVar contains an entry for this variant (Variation ID: 917816). This missense change has been observed in individuals with clinical features of CBS-related conditions (PMID: 12124992, 15146473). This variant is not present in population databases (gnomAD no frequency).

Baylor Genetics
Classification: Pathogenic for Classic homocystinuria. Last evaluated: 2022-04-30. Review status: criteria provided, single submitter. Criteria: ACMG Guidelines, 2015. Collection method: clinical testing. Allele origin: unknown.

Literature cited by the submitters: PubMed 15146473 (cited by 3 submitters); PubMed 12124992 (cited by Women's Health and Genetics/Laboratory Corporation of America, LabCorp and Labcorp Genetics (formerly Invitae), Labcorp); PubMed 22267502 (cited by Women's Health and Genetics/Laboratory Corporation of America, LabCorp and Labcorp Genetics (formerly Invitae), Labcorp); PubMed 20490928 (cited by Women's Health and Genetics/Laboratory Corporation of America, LabCorp); PubMed 20506325 (cited by Women's Health and Genetics/Laboratory Corporation of America, LabCorp); PubMed 25331909 (cited by Women's Health and Genetics/Laboratory Corporation of America, LabCorp); PubMed 12686134 (cited by Women's Health and Genetics/Laboratory Corporation of America, LabCorp); PubMed 23934999 (cited by Women's Health and Genetics/Laboratory Corporation of America, LabCorp); PubMed 14635102 (cited by Labcorp Genetics (formerly Invitae), Labcorp); PubMed 17540596 (cited by Labcorp Genetics (formerly Invitae), Labcorp); PubMed 20066033 (cited by Labcorp Genetics (formerly Invitae), Labcorp).